The following is an entry in ClinVar:

ClinVar aggregate classification (germline): Uncertain significance. Review status: criteria provided, multiple submitters, no conflicts (2 of 4 stars). 3 submissions from 3 submitters: Uncertain significance (3). Last evaluated 2026-06-01.

Conditions:
Osteogenesis imperfecta type I (OI1). Also called: Osteogenesis imperfecta type 1; Lobstein's Disease; Lobstein disease; OI, TYPE I; OSTEOGENESIS IMPERFECTA TARDA; OSTEOGENESIS IMPERFECTA WITH BLUE SCLERAE. Identifiers: Orphanet 216796, Orphanet 666, MedGen C0023931, MONDO:0008146, OMIM 166200. Disease mechanism: loss of function.

gnomAD v4.1: 1 of 1,614,030 alleles (0.000062%); highest among the groups gnomAD compares: Non-Finnish European, 0.000085%; no homozygotes.

Submissions (3):

CeGaT Center for Human Genetics Tuebingen
Classification: Uncertain significance. Last evaluated: 2026-06-01. Review status: criteria provided, single submitter. Criteria: CeGaT Center For Human Genetics Tuebingen Variant Classification Criteria Version 2. Collection method: clinical testing. Allele origin: germline. Affected: yes. Observed: 1 variant allele.
Comment: COL1A1: PM2, PP3, BP5

Mayo Clinic Laboratories, Mayo Clinic
Classification: Uncertain significance. Last evaluated: 2025-12-16. Review status: criteria provided, single submitter. Criteria: ACMG Guidelines, 2015. Collection method: clinical testing. Allele origin: germline. Observed: 1 variant allele.
Comment: PP3_moderate, PM2_supporting

Labcorp Genetics (formerly Invitae), Labcorp
Classification: Uncertain significance for Osteogenesis imperfecta type I. Last evaluated: 2023-07-18. Review status: criteria provided, single submitter. Criteria: Invitae Variant Classification Sherloc (09022015). Collection method: clinical testing. Allele origin: germline.
Comment: This sequence change replaces threonine, which is neutral and polar, with isoleucine, which is neutral and non-polar, at codon 1234 of the COL1A1 protein (p.Thr1234Ile). This variant is not present in population databases (gnomAD no frequency). This variant has not been reported in the literature in individuals affected with COL1A1-related conditions. Advanced modeling of protein sequence and biophysical properties (such as structural, functional, and spatial information, amino acid conservation, physicochemical variation, residue mobility, and thermodynamic stability) performed at Invitae indicates that this missense variant is expected to disrupt COL1A1 protein function. In summary, the available evidence is currently insufficient to determine the role of this variant in disease. Therefore, it has been classified as a Variant of Uncertain Significance.

NM_000088.4(COL1A1):c.3701C>T (p.Thr1234Ile)

Gene: COL1A1 (collagen type I alpha 1 chain; minus strand). Cytogenetic location: 17q21.33.
Variant type: single nucleotide variant.
Coding change: c.3701C>T on transcript NM_000088.4 (MANE Select); coding-DNA position 3701, C replaced by T.
Protein change: p.Thr1234Ile; replaces threonine 1234 with isoleucine.
Molecular consequence: missense variant.
Genome position (GRCh38, 1-based): chr17:50,186,753, G>A on the plus strand (C>T on the coding strand, the complement: COL1A1 is on the minus strand). VCF-style: chr17-50186753-G-A. GRCh37 (hg19) VCF-style: chr17-48264114-G-A.
Other names: p.Thr1234Ile; short protein forms T1234I.
Identifiers: ClinVar variation 2914300 (VCV002914300.6), dbSNP rs761711691, ClinGen allele CA291542873.
Genomic context (GRCh38, chr17:50,186,753, plus strand): 5'-TTCTTGCGGCTGCCCTCTGGGCTCCGGATGTTCTCGATCTGCTGGCTCAGGCTCTTGAGG[G>A]TGGTGTCCACCTCGAGGTCACGGTCACGAACCACATTGGCATCATCAGCCCGGTAGTAGC-3'
Protein context (NP_000079.2, residues 1224-1244): VRDRDLEVDT[Thr1234Ile]LKSLSQQIEN